The following is an entry in ClinVar:

ClinVar aggregate classification (germline): Uncertain significance (1 of 4 stars; one submission).

Conditions:
Cardiovascular phenotype. Identifiers: MedGen CN230736.

Submission:

Ambry Genetics
Classification: Uncertain significance for Cardiovascular phenotype. Last evaluated: 2026-03-17. Review status: criteria provided, single submitter. Criteria: Ambry Variant Classification Scheme 2023. Collection method: clinical testing. Allele origin: germline.
Comment: The p.P580R variant (also known as c.1739C>G), located in coding exon 11 of the CBL gene, results from a C to G substitution at nucleotide position 1739. The proline at codon 580 is replaced by arginine, an amino acid with dissimilar properties. This amino acid position is conserved. In addition, the in silico prediction for this alteration is inconclusive. Based on the available evidence, the clinical significance of this variant remains unclear.

NM_005188.4(CBL):c.1739C>G (p.Pro580Arg)

Gene: CBL (Cbl proto-oncogene; plus strand). Cytogenetic location: 11q23.3.
Variant type: single nucleotide variant.
Coding change: c.1739C>G on transcript NM_005188.4 (MANE Select); coding-DNA position 1739, C replaced by G.
Protein change: p.Pro580Arg; replaces proline 580 with arginine.
Molecular consequence: missense variant.
Genome position (GRCh38, 1-based): chr11:119,285,364, C>G. VCF-style: chr11-119285364-C-G. GRCh37 (hg19) VCF-style: chr11-119156074-C-G.
Other names: short protein forms P580R.
Identifiers: ClinVar variation 4868201 (VCV004868201.1).
Genomic context (GRCh38, chr11:119,285,364, plus strand): 5'-CTCAAAGACGCCCCTTGCCTTGTACACCAGGCGACTGTCCCTCCAGAGACAAACTGCCCC[C>G]TGTCCCCTCTAGCCGCCTTGGAGACTCATGGCTGCCCCGGCCAATCCCCAAAGTACCAGT-3'
Protein context (NP_005179.2, residues 570-590): GDCPSRDKLP[Pro580Arg]VPSSRLGDSW